The following is an entry in ClinVar:

ClinVar aggregate classification (germline): Uncertain significance (1 of 4 stars; one submission).

Conditions:
Inborn genetic diseases. Identifiers: MedGen C0950123, MeSH D030342.

gnomAD v4.1: 1 of 1,613,524 alleles (0.000062%); highest among the groups gnomAD compares: African/African-American, 0.0013%; no homozygotes.

Submission:

Ambry Genetics
Classification: Uncertain significance for Inborn genetic diseases. Last evaluated: 2024-11-21. Review status: criteria provided, single submitter. Criteria: Ambry Variant Classification Scheme 2023. Collection method: clinical testing. Allele origin: germline.
Comment: The p.V455A variant (also known as c.1364T>C), located in coding exon 8 of the ERCC6L2 gene, results from a T to C substitution at nucleotide position 1364. The valine at codon 455 is replaced by alanine, an amino acid with similar properties. This amino acid position is conserved. In addition, this alteration is predicted to be tolerated by in silico analysis. Based on the available evidence, the clinical significance of this variant remains unclear.

NM_020207.7(ERCC6L2):c.1364T>C (p.Val455Ala)

Gene: ERCC6L2 (ERCC excision repair 6 like 2; plus strand). Cytogenetic location: 9q22.32.
Variant type: single nucleotide variant.
Coding change: c.1364T>C on transcript NM_020207.7 (MANE Select); coding-DNA position 1364, T replaced by C.
Protein change: p.Val455Ala; replaces valine 455 with alanine.
Molecular consequence: missense variant. On other transcripts: non-coding transcript variant (1).
Genome position (GRCh38, 1-based): chr9:95,922,369, T>C. VCF-style: chr9-95922369-T-C. GRCh37 (hg19) VCF-style: chr9-98684651-T-C.
Other names: c.1364T>C, p.Val455Ala (NM_001010895.4, NM_001375291.1, NM_001375292.1 and 2 more transcripts); short protein forms V455A.
Identifiers: ClinVar variation 3509965 (VCV003509965.1).